The following is an entry in ClinVar:

ClinVar aggregate classification (germline): Uncertain significance (1 of 4 stars; one submission).

Conditions:
Inborn genetic diseases. Identifiers: MedGen C0950123, MeSH D030342.

Submission:

Ambry Genetics
Classification: Uncertain significance for Inborn genetic diseases. Last evaluated: 2025-11-11. Review status: criteria provided, single submitter. Criteria: Ambry Variant Classification Scheme 2023. Collection method: clinical testing. Allele origin: germline.
Comment: The p.A1012G variant (also known as c.3035C>G), located in coding exon 14 of the FANCM gene, results from a C to G substitution at nucleotide position 3035. The alanine at codon 1012 is replaced by glycine, an amino acid with similar properties. This amino acid position is conserved. In addition, this alteration is predicted to be tolerated by in silico analysis. Based on the available evidence, the clinical significance of this variant remains unclear.

NM_020937.4(FANCM):c.3035C>G (p.Ala1012Gly)

Gene: FANCM (FA complementation group M; plus strand). Cytogenetic location: 14q21.2.
Variant type: single nucleotide variant.
Coding change: c.3035C>G on transcript NM_020937.4 (MANE Select); coding-DNA position 3035, C replaced by G.
Protein change: p.Ala1012Gly; replaces alanine 1012 with glycine.
Molecular consequence: missense variant.
Genome position (GRCh38, 1-based): chr14:45,175,789, C>G. VCF-style: chr14-45175789-C-G. GRCh37 (hg19) VCF-style: chr14-45644992-C-G.
Other names: c.2957C>G, p.Ala986Gly (NM_001308133.2); short protein forms A1012G, A986G.
Identifiers: ClinVar variation 4619583 (VCV004619583.1).
Genomic context (GRCh38, chr14:45,175,789, plus strand): 5'-GATTTTTATCTTATTCTCCTCCGCCTCTCAGTGGACTCTCAGACTTGGAATATGAAATTG[C>G]TAAGGGTACTGCACTTGAGAATTTGCTTTTCTTACCCTGTGCAGAGCATTTACGAAGTGA-3'
Protein context (NP_065988.1, residues 1002-1022): SGLSDLEYEI[Ala1012Gly]KGTALENLLF